The following is an entry in ClinVar:

NC_000003.12:g.(?_10090282)_(10098950_?)dup

Genes: FANCD2 (FA complementation group D2; plus strand), FANCD2OS (FANCD2 opposite strand; minus strand). Cytogenetic location: 3p25.3.
Variant type: Duplication.
Identifiers: ClinVar variation 831779 (VCV000831779.5).

ClinVar aggregate classification (germline): Uncertain significance (1 of 4 stars; one submission).

Conditions:
Fanconi anemia (FA). Also called: Fanconi's anemia. Identifiers: Orphanet 84, MedGen C0015625, MeSH D005199, MONDO:0019391.

Submission:

Labcorp Genetics (formerly Invitae), Labcorp
Classification: Uncertain significance for Fanconi anemia. Last evaluated: 2019-10-17. Review status: criteria provided, single submitter. Criteria: Invitae Variant Classification Sherloc (09022015). Collection method: clinical testing. Allele origin: germline.
Comment: This variant results in a copy number gain of the genomic region encompassing exons 37-43 of the FANCD2 gene. The 5' boundary is likely confined to intron 36. The 3' end of this event is unknown as it extends beyond the assayed region for this gene and therefore may encompass additional genes. As the precise location of this event is unknown, it may be in tandem or it may be located elsewhere in the genome. This variant has not been reported in the literature in individuals with FANCD2-related conditions. Experimental studies and prediction algorithms are not available or were not evaluated, and the functional significance of this variant is currently unknown. In summary, the available evidence is currently insufficient to determine the role of this variant in disease. Therefore, it has been classified as a Variant of Uncertain Significance.